The following is an entry in ClinVar:

NM_014956.5(CEP164):c.1161_1163del (p.Glu387_Ile388delinsAsp)

Gene: CEP164 (centrosomal protein 164; plus strand). Cytogenetic location: 11q23.3.
Variant type: Deletion.
Coding change: c.1161_1163del on transcript NM_014956.5 (MANE Select); coding-DNA positions 1161 to 1163, 3 bases deleted (AAT; older notation c.1161_1163delAAT).
Protein change: p.Glu387_Ile388delinsAsp.
Molecular consequence: inframe indel.
Genome position (GRCh38, 1-based): chr11:117,373,759-117,373,761, AAT deleted. VCF-style (leftmost placement, unchanged base first): chr11-117373758-AAAT-A. GRCh37 (hg19) VCF-style: chr11-117244474-AAAT-A.
Other names: c.1161_1163del, p.Glu387_Ile388delinsAsp (NM_001271933.2).
Identifiers: ClinVar variation 1360694 (VCV001360694.6), dbSNP rs1347609515, ClinGen allele CA672269059.

ClinVar aggregate classification (germline): Uncertain significance (1 of 4 stars; one submission).

Conditions:
Nephronophthisis 15 (NPHP15). Identifiers: Orphanet 3156, MedGen C3541853, MONDO:0013917, OMIM 614845.

Allele frequency attached by ClinVar (database versions not stated): gnomAD exomes below 0.00001; TOPMed below 0.00001; gnomAD 0.00001.

Submission:

Labcorp Genetics (formerly Invitae), Labcorp
Classification: Uncertain significance for Nephronophthisis 15. Last evaluated: 2025-04-21. Review status: criteria provided, single submitter. Criteria: Invitae Variant Classification Sherloc (09022015). Collection method: clinical testing. Allele origin: germline.
Comment: This variant, c.1161_1163del, is a complex sequence change that results in the deletion of 2 and insertion of 1amino amino acid(s) in the CEP164 protein (p.Glu387_Ile388delinsAsp). This variant is not present in population databases (gnomAD no frequency). This variant has not been reported in the literature in individuals affected with CEP164-related conditions. ClinVar contains an entry for this variant (Variation ID: 1360694). Experimental studies and prediction algorithms are not available or were not evaluated, and the functional significance of this variant is currently unknown. In summary, the available evidence is currently insufficient to determine the role of this variant in disease. Therefore, it has been classified as a Variant of Uncertain Significance.